The following is an entry in ClinVar:

ClinVar aggregate classification (germline): Uncertain significance (1 of 4 stars; one submission).

Submission:

CeGaT Center for Human Genetics Tuebingen
Classification: Uncertain significance. Last evaluated: 2026-08-01. Review status: criteria provided, single submitter. Criteria: CeGaT Center For Human Genetics Tuebingen Variant Classification Criteria Version 2. Collection method: clinical testing. Allele origin: germline. Affected: yes. Observed: 1 variant allele.
Comment: HRG: PM2

NM_000412.5(HRG):c.1540del (p.Gln514fs)

Gene: HRG (histidine rich glycoprotein; plus strand). Cytogenetic location: 3q27.3.
Variant type: Deletion.
Coding change: c.1540del on transcript NM_000412.5 (MANE Select); coding-DNA position 1540, one base deleted (C; older notation c.1540delC).
Protein change: p.Gln514fs; shifts the reading frame from glutamine 514.
Molecular consequence: frameshift variant.
Genome position (GRCh38, 1-based): chr3:186,677,845, C deleted. VCF-style (leftmost placement, unchanged base first): chr3-186677844-AC-A. GRCh37 (hg19) VCF-style: chr3-186395633-AC-A.
Other names: short protein forms Q514fs.
Identifiers: ClinVar variation 5039934 (VCV005039934.1).